The following is an entry in ClinVar:

ClinVar aggregate classification (germline): Benign (1 of 4 stars; one submission).

Allele frequency attached by ClinVar (database versions not stated): 1000 Genomes Project 30x 0.11680; TOPMed 0.11764; 1000 Genomes Project 0.11901; gnomAD 0.12872 and 0.13117.
gnomAD v4.1: 20,033 of 152,186 alleles (13%); highest among the groups gnomAD compares: Middle Eastern, 22%; 1,574 homozygotes.

Submission:

GeneDx
Classification: Benign. Last evaluated: 2018-06-14. Review status: criteria provided, single submitter. Criteria: GeneDx Variant Classification (06012015). Collection method: clinical testing. Allele origin: germline. Affected: yes.
Comment: This variant is considered likely benign or benign based on one or more of the following criteria: it is a conservative change, it occurs at a poorly conserved position in the protein, it is predicted to be benign by multiple in silico algorithms, and/or has population frequency not consistent with disease.

NM_018979.4(WNK1):c.5583+177T>C

Gene: WNK1 (WNK lysine deficient protein kinase 1; plus strand). Cytogenetic location: 12p13.33.
Variant type: single nucleotide variant.
Coding change: c.5583+177T>C on transcript NM_018979.4 (MANE Select); 177 bases into the intron after coding-DNA position 5583, T replaced by C.
Molecular consequence: intron variant.
Genome position (GRCh38, 1-based): chr12:894,812, T>C. VCF-style: chr12-894812-T-C. GRCh37 (hg19) VCF-style: chr12-1003978-T-C.
Other names: c.6339+177T>C (NM_213655.5); c.6363+177T>C (NM_001184985.2); c.4839+177T>C (NM_014823.3).
Identifiers: ClinVar variation 670311 (VCV000670311.1), dbSNP rs2301881, ClinGen allele CA13771528.